The following is an entry in ClinVar:

NM_016302.4(CRBN):c.1242T>C (p.Phe414=)

Genes: CRBN (cereblon; minus strand), TRNT1 (tRNA nucleotidyl transferase 1; plus strand). Cytogenetic location: 3p26.2.
Variant type: single nucleotide variant.
Coding change: c.1242T>C on transcript NM_016302.4 (MANE Select); coding-DNA position 1242, T replaced by C.
Protein change: p.Phe414=; no amino-acid change (phenylalanine 414 retained).
Molecular consequence: synonymous variant. On other transcripts: 3 prime UTR variant (1), non-coding transcript variant (3).
Genome position (GRCh38, 1-based): chr3:3,150,952, A>G on the plus strand (T>C on the coding strand, the complement: CRBN is on the minus strand). VCF-style: chr3-3150952-A-G. GRCh37 (hg19) VCF-style: chr3-3192636-A-G.
Other names: c.*446A>G (NM_001367321.1); c.1239T>C, p.Phe413= (NM_001173482.1).
Identifiers: ClinVar variation 726282 (VCV000726282.9), dbSNP rs199720401, ClinGen allele CA2228985.

ClinVar aggregate classification (germline): Benign. Review status: criteria provided, multiple submitters, no conflicts (2 of 4 stars). 3 submissions from 3 submitters: Benign (2). 1 of the submissions does not count toward it. Last evaluated 2019-12-31.

Conditions:
CRBN-related disorder. Also called: CRBN-related condition.

Allele frequency attached by ClinVar (database versions not stated): 1000 Genomes Project 0.01657; gnomAD 0.00014 and 0.00271; ESP Exome Variant Server 0.00023; TOPMed 0.00045; 1000 Genomes Project 30x 0.01608.
gnomAD v4.1: 6,930 of 1,614,022 alleles (0.43%); highest among the groups gnomAD compares: South Asian, 7.1%; 324 homozygotes.

Submissions (3):

Labcorp Genetics (formerly Invitae), Labcorp
Classification: Benign. Last evaluated: 2019-12-31. Review status: criteria provided, single submitter. Criteria: Invitae Variant Classification Sherloc (09022015). Collection method: clinical testing. Allele origin: germline.

Breakthrough Genomics
Classification: Benign. Review status: criteria provided, single submitter. Criteria: ACMG Guidelines, 2015. Collection method: not provided. Allele origin: germline. Inheritance: Autosomal recessive inheritance. Affected: yes.

PreventionGenetics, part of Exact Sciences
Classification: Benign for CRBN-related condition. Last evaluated: 2019-03-14. Review status: no assertion criteria provided. Collection method: clinical testing. Allele origin: germline. Not counted in ClinVar's aggregate classification.
Comment: This variant is classified as benign based on ACMG/AMP sequence variant interpretation guidelines (Richards et al. 2015 PMID: 25741868, with internal and published modifications).